The following is an entry in ClinVar:

ClinVar aggregate classification (germline): Likely benign (1 of 4 stars; one submission).

Allele frequency attached by ClinVar (database versions not stated): 1000 Genomes Project 30x 0.00109; 1000 Genomes Project 0.00120; TOPMed 0.00148; gnomAD 0.00316 and 0.00329.
gnomAD v4.1: 477 of 152,320 alleles (0.31%); highest among the groups gnomAD compares: Non-Finnish European, 0.27%; 7 homozygotes.

Submission:

GeneDx
Classification: Likely benign. Last evaluated: 2018-06-18. Review status: criteria provided, single submitter. Criteria: GeneDx Variant Classification (06012015). Collection method: clinical testing. Allele origin: germline. Affected: yes.
Comment: This variant is considered likely benign or benign based on one or more of the following criteria: it is a conservative change, it occurs at a poorly conserved position in the protein, it is predicted to be benign by multiple in silico algorithms, and/or has population frequency not consistent with disease.

NM_000051.4(ATM):c.5497-168T>C

Gene: ATM (ATM serine/threonine kinase; plus strand). Cytogenetic location: 11q22.3.
Variant type: single nucleotide variant.
Coding change: c.5497-168T>C on transcript NM_000051.4 (MANE Select); 168 bases into the intron before coding-DNA position 5497, T replaced by C.
Molecular consequence: intron variant.
Genome position (GRCh38, 1-based): chr11:108,304,507, T>C. VCF-style: chr11-108304507-T-C. GRCh37 (hg19) VCF-style: chr11-108175234-T-C.
Other names: c.5497-168T>C (NM_001351834.2).
Identifiers: ClinVar variation 679585 (VCV000679585.1), dbSNP rs142080730, ClinGen allele CA228389463.